The following is an entry in ClinVar:

NM_001414.4(EIF2B1):c.*354C>A

Genes: EIF2B1 (eukaryotic translation initiation factor 2B subunit alpha; minus strand), LOC126861664 (CDK7 strongly-dependent group 2 enhancer GRCh37_chr12:124105924-124107123; plus strand). Cytogenetic location: 12q24.31.
Variant type: single nucleotide variant.
Coding change: c.*354C>A on transcript NM_001414.4 (MANE Select); 354 bases downstream of the stop codon, C replaced by A.
Molecular consequence: 3 prime UTR variant.
Genome position (GRCh38, 1-based): chr12:123,621,402, G>T on the plus strand (C>A on the coding strand, the complement: EIF2B1 is on the minus strand). VCF-style: chr12-123621402-G-T. GRCh37 (hg19) VCF-style: chr12-124105949-G-T.
Identifiers: ClinVar variation 881597 (VCV000881597.4), dbSNP rs141505281, ClinGen allele CA13703917.

ClinVar aggregate classification (germline): Benign (1 of 4 stars; one submission).

Conditions:
Vanishing white matter disease. Also called: Childhood ataxia with diffuse central nervous system hypomyelination; Leukoencephalopathy with vanishing white matter; CACH/VWM syndrome; Cree leukoencehalopathy; CACH syndrome. Identifiers: Orphanet 135, Orphanet 99853, MedGen C1858991, MONDO:0800448.

Allele frequency attached by ClinVar (database versions not stated): gnomAD exomes 0.00049; TOPMed 0.00530; 1000 Genomes Project 30x 0.00531; 1000 Genomes Project 0.00539.
gnomAD v4.1: 844 of 350,130 alleles (0.24%); highest among the groups gnomAD compares: African/African-American, 1.7%; 5 homozygotes.

Submission:

Illumina Laboratory Services, Illumina
Classification: Benign for Leukoencephalopathy with vanishing white matter 1. Last evaluated: 2018-01-12. Review status: criteria provided, single submitter. Criteria: ICSL Variant Classification Criteria 13 December 2019. Collection method: clinical testing. Allele origin: germline.
Comment: This variant was observed in the ICSL laboratory as part of a predisposition screen in an ostensibly healthy population. It had not been previously curated by ICSL or reported in the Human Gene Mutation Database (HGMD: prior to June 1st, 2018), and was therefore a candidate for classification through an automated scoring system. Utilizing variant allele frequency, disease prevalence and penetrance estimates, and inheritance mode, an automated score was calculated to assess if this variant is too frequent to cause the disease. Based on the score and internal cut-off values, a variant classified as benign is not then subjected to further curation. The score for this variant resulted in a classification of benign for this disease.